The following is an entry in ClinVar:

NM_000548.5(TSC2):c.2879C>T (p.Ser960Phe)

Gene: TSC2 (TSC complex subunit 2; plus strand). Cytogenetic location: 16p13.3.
Variant type: single nucleotide variant.
Coding change: c.2879C>T on transcript NM_000548.5 (MANE Select); coding-DNA position 2879, C replaced by T.
Protein change: p.Ser960Phe; replaces serine 960 with phenylalanine.
Molecular consequence: missense variant. On other transcripts: intron variant (9).
Genome position (GRCh38, 1-based): chr16:2,077,639, C>T. VCF-style: chr16-2077639-C-T. GRCh37 (hg19) VCF-style: chr16-2127640-C-T.
Other names: c.2879C>T, p.Ser960Phe (NM_001114382.3); c.2837+1054C>T (NM_021055.3, NM_001370405.1, NM_001363528.2 and 2 more transcripts); c.2726+1054C>T (NM_001318827.2); c.2237+1054C>T (NM_001318831.2); c.2690+1054C>T (NM_001318829.2); c.2870+1054C>T (NM_001318832.2); short protein forms S960F.
Identifiers: ClinVar variation 64872 (VCV000064872.4), dbSNP rs397514898, ClinGen allele CA018305.

ClinVar aggregate classification (germline): Uncertain significance. Review status: criteria provided, single submitter (1 of 4 stars). 2 submissions from 2 submitters: Uncertain significance (1). 1 of the submissions does not count toward it. Last evaluated 2025-10-18.

Conditions:
Tuberous sclerosis 2 (TSC2). Identifiers: Orphanet 805, MedGen C1860707, MONDO:0013199, OMIM 613254.
Autism spectrum disorder. Also called: Autism spectrum disorders. Identifiers: MedGen C1510586, MeSH D000067877, MONDO:0005258.

Submissions (2):

Labcorp Genetics (formerly Invitae), Labcorp
Classification: Uncertain significance for Tuberous sclerosis 2. Last evaluated: 2025-10-18. Review status: criteria provided, single submitter. Criteria: Invitae Variant Classification Sherloc (09022015). Collection method: clinical testing. Allele origin: germline.
Comment: This sequence change replaces serine, which is neutral and polar, with phenylalanine, which is neutral and non-polar, at codon 960 of the TSC2 protein (p.Ser960Phe). This variant is not present in population databases (gnomAD no frequency). This variant has not been reported in the literature in individuals affected with TSC2-related conditions. ClinVar contains an entry for this variant (Variation ID: 64872). Invitae Evidence Modeling of protein sequence and biophysical properties (such as structural, functional, and spatial information, amino acid conservation, physicochemical variation, residue mobility, and thermodynamic stability) indicates that this missense variant is not expected to disrupt TSC2 protein function with a negative predictive value of 95%. In summary, the available evidence is currently insufficient to determine the role of this variant in disease. Therefore, it has been classified as a Variant of Uncertain Significance.

Tuberous sclerosis database (TSC2)
No classification provided. Condition: ASD. Review status: no classification provided. Criteria: Tuberous Sclerosis Database Assertion Criteria 2015. Collection method: curation. Allele origin: germline. Affected: yes. Not counted in ClinVar's aggregate classification.